The following is an entry in ClinVar:

NM_001205293.3(CACNA1E):c.3782G>A (p.Arg1261Gln)

Gene: CACNA1E (calcium voltage-gated channel subunit alpha1 E; plus strand). Cytogenetic location: 1q25.3.
Variant type: single nucleotide variant.
Coding change: c.3782G>A on transcript NM_001205293.3 (MANE Select); coding-DNA position 3782, G replaced by A.
Protein change: p.Arg1261Gln; replaces arginine 1261 with glutamine.
Molecular consequence: missense variant.
Genome position (GRCh38, 1-based): chr1:181,752,193, G>A. VCF-style: chr1-181752193-G-A. GRCh37 (hg19) VCF-style: chr1-181721329-G-A.
Other names: c.3782G>A, p.Arg1261Gln (NM_000721.4); c.3725G>A, p.Arg1242Gln (NM_001205294.2); c.3782G>A (NM_000721.3); short protein forms R1242Q, R1261Q.
Identifiers: ClinVar variation 2764498 (VCV002764498.4), dbSNP rs1351434091, ClinGen allele CA343622684.

ClinVar aggregate classification (germline): Uncertain significance. Review status: criteria provided, multiple submitters, no conflicts (2 of 4 stars). 2 submissions from 2 submitters: Uncertain significance (2). Last evaluated 2024-05-15.

Allele frequency attached by ClinVar (database versions not stated): gnomAD exomes below 0.00001.
gnomAD v4.1: 1 of 1,613,942 alleles (0.000062%); highest among the groups gnomAD compares: Non-Finnish European, 0.000085%; no homozygotes.

Submissions (2):

GeneDx
Classification: Uncertain significance. Last evaluated: 2024-05-15. Review status: criteria provided, single submitter. Criteria: GeneDx Variant Classification Process June 2021. Collection method: clinical testing. Allele origin: germline. Affected: yes.
Comment: In silico analysis supports that this missense variant has a deleterious effect on protein structure/function; Has not been previously published as pathogenic or benign to our knowledge

Labcorp Genetics (formerly Invitae), Labcorp
Classification: Uncertain significance. Last evaluated: 2023-09-29. Review status: criteria provided, single submitter. Criteria: Invitae Variant Classification Sherloc (09022015). Collection method: clinical testing. Allele origin: germline.
Comment: In summary, the available evidence is currently insufficient to determine the role of this variant in disease. Therefore, it has been classified as a Variant of Uncertain Significance. Advanced modeling of protein sequence and biophysical properties (such as structural, functional, and spatial information, amino acid conservation, physicochemical variation, residue mobility, and thermodynamic stability) has been performed at Invitae for this missense variant, however the output from this modeling did not meet the statistical confidence thresholds required to predict the impact of this variant on CACNA1E protein function. This variant has not been reported in the literature in individuals affected with CACNA1E-related conditions. This variant is present in population databases (no rsID available, gnomAD 0.0009%). This sequence change replaces arginine, which is basic and polar, with glutamine, which is neutral and polar, at codon 1261 of the CACNA1E protein (p.Arg1261Gln).